The following is an entry in ClinVar:

ClinVar aggregate classification (germline): Uncertain significance. Review status: criteria provided, multiple submitters, no conflicts (2 of 4 stars). 2 submissions from 2 submitters: Uncertain significance (2). Last evaluated 2026-04-01.

Allele frequency attached by ClinVar (database versions not stated): gnomAD exomes below 0.00001.
gnomAD v4.1: 1 of 1,613,474 alleles (0.000062%); highest among the groups gnomAD compares: Non-Finnish European, 0.000085%; no homozygotes.

Submissions (2):

GeneDx
Classification: Uncertain significance. Last evaluated: 2026-04-01. Review status: criteria provided, single submitter. Criteria: GeneDx Variant Classification Process June 2021. Collection method: clinical testing. Allele origin: germline.
Comment: Not observed at significant frequency in large population cohorts (gnomAD); In silico analysis supports that this missense variant has a deleterious effect on protein structure/function; Has not been previously published as pathogenic or benign to our knowledge

Greenwood Genetic Center Diagnostic Laboratories, Greenwood Genetic Center
Classification: Uncertain significance. Last evaluated: 2024-03-01. Review status: criteria provided, single submitter. Criteria: ACMG Guidelines, 2015. Collection method: clinical testing. Allele origin: germline. Affected: yes.
Comment: PM2

NM_014727.3(KMT2B):c.2848C>T (p.Arg950Trp)

Gene: KMT2B (lysine methyltransferase 2B; plus strand). Cytogenetic location: 19q13.12.
Variant type: single nucleotide variant.
Coding change: c.2848C>T on transcript NM_014727.3 (MANE Select); coding-DNA position 2848, C replaced by T.
Protein change: p.Arg950Trp; replaces arginine 950 with tryptophan.
Molecular consequence: missense variant.
Genome position (GRCh38, 1-based): chr19:35,723,120, C>T. VCF-style: chr19-35723120-C-T. GRCh37 (hg19) VCF-style: chr19-36214022-C-T.
Other names: short protein forms R950W.
Identifiers: ClinVar variation 3235769 (VCV003235769.3), dbSNP rs2061567257, ClinGen allele CA405402115.
Genomic context (GRCh38, chr19:35,723,120, plus strand): 5'-GCAGGCCCTGGGGGAGAATCAGAGCCCACAGGTTCTGGAGGGACCCTGGCCCACACACCC[C>T]GGCGCTCACTGCCCTCCCATCACGGCAAGAAGATGCGCATGGCTCGATGTGGACACTGTC-3'
Protein context (NP_055542.1, residues 940-960): GSGGTLAHTP[Arg950Trp]RSLPSHHGKK